The following is an entry in ClinVar:

ClinVar aggregate classification (germline): Uncertain significance (1 of 4 stars; one submission).

Submission:

Ambry Genetics
Classification: Uncertain significance. Last evaluated: 2022-02-12. Review status: criteria provided, single submitter. Criteria: Ambry Variant Classification Scheme 2023. Collection method: clinical testing. Allele origin: germline.
Comment: The p.S1317I variant (also known as c.3950G>T), located in coding exon 36 of the KIF1B gene, results from a G to T substitution at nucleotide position 3950. The serine at codon 1317 is replaced by isoleucine, an amino acid with dissimilar properties. This amino acid position is conserved. In addition, this alteration is predicted to be deleterious by in silico analysis. Since supporting evidence is limited at this time, the clinical significance of this alteration remains unclear.

NM_001365951.3(KIF1B):c.4088G>T (p.Ser1363Ile)

Gene: KIF1B (kinesin family member 1B; plus strand). Cytogenetic location: 1p36.22.
Variant type: single nucleotide variant.
Coding change: c.4088G>T on transcript NM_001365951.3 (MANE Select); coding-DNA position 4088, G replaced by T.
Protein change: p.Ser1363Ile; replaces serine 1363 with isoleucine.
Molecular consequence: missense variant.
Genome position (GRCh38, 1-based): chr1:10,360,961, G>T. VCF-style: chr1-10360961-G-T. GRCh37 (hg19) VCF-style: chr1-10421019-G-T.
Other names: c.4088G>T, p.Ser1363Ile (NM_001365952.1); c.3950G>T, p.Ser1317Ile (NM_015074.3); short protein forms S1317I, S1363I.
Identifiers: ClinVar variation 1736439 (VCV001736439.2), dbSNP rs2521877809, ClinGen allele CA338315918.
Genomic context (GRCh38, chr1:10,360,961, plus strand): 5'-TGATTCCCTCTTGTCTTTCTGACCTTAGGACCTTCTACCGCTTTGAGGCTGTGTGGGATA[G>T]CTCTCTGCATAACTCCCTTCTTCTGAACCGAGTGACACCCTATGGAGAAAAGATCTACAT-3'
Protein context (NP_001352880.1, residues 1353-1373): TFYRFEAVWD[Ser1363Ile]SLHNSLLLNR